The following is an entry in ClinVar:

ClinVar aggregate classification (germline): Likely benign (1 of 4 stars; one submission).

gnomAD v4.1: 3 of 1,551,662 alleles (0.00019%); highest among the groups gnomAD compares: Non-Finnish European, 0.00026%; no homozygotes.

Submission:

GeneDx
Classification: Likely benign. Last evaluated: 2019-06-12. Review status: criteria provided, single submitter. Criteria: GeneDx Variant Classification Process June 2021. Collection method: clinical testing. Allele origin: germline. Affected: yes.
Comment: See Variant Classification Assertion Criteria.

NM_001286445.3(RIPOR2):c.2313G>A (p.Glu771=)

Gene: RIPOR2 (RHO family interacting cell polarization regulator 2; minus strand). Cytogenetic location: 6p22.3.
Variant type: single nucleotide variant.
Coding change: c.2313G>A on transcript NM_001286445.3 (MANE Select); coding-DNA position 2313, G replaced by A.
Protein change: p.Glu771=; no amino-acid change (glutamic acid 771 retained).
Molecular consequence: synonymous variant.
Genome position (GRCh38, 1-based): chr6:24,832,287, C>T on the plus strand (G>A on the coding strand, the complement: RIPOR2 is on the minus strand). VCF-style: chr6-24832287-C-T. GRCh37 (hg19) VCF-style: chr6-24832515-C-T.
Other names: c.2226G>A, p.Glu742= (NM_001346031.2, NM_001346032.2); c.2376G>A, p.Glu792= (NM_014722.5).
Identifiers: ClinVar variation 3340652 (VCV003340652.1).